The following is an entry in ClinVar:

NM_024334.3(TMEM43):c.52A>G (p.Lys18Glu)

Gene: TMEM43 (transmembrane protein 43; plus strand). Cytogenetic location: 3p25.1.
Variant type: single nucleotide variant.
Coding change: c.52A>G on transcript NM_024334.3 (MANE Select); coding-DNA position 52, A replaced by G.
Protein change: p.Lys18Glu; replaces lysine 18 with glutamic acid.
Molecular consequence: missense variant. On other transcripts: intron variant (1).
Genome position (GRCh38, 1-based): chr3:14,129,451, A>G. VCF-style: chr3-14129451-A-G. GRCh37 (hg19) VCF-style: chr3-14170951-A-G.
Other names: c.52A>G, p.Lys18Glu (NM_001407274.1, NM_001407275.1, NM_001407276.1 and 3 more transcripts); c.13-1371A>G (NM_001407280.1); short protein forms K18E.
Identifiers: ClinVar variation 3386077 (VCV003386077.1).

ClinVar aggregate classification (germline): Uncertain significance (1 of 4 stars; one submission).

Conditions:
Arrhythmogenic right ventricular dysplasia 5. Also called: Arrhythmogenic Right Ventricular Dysplasia/Cardiomyopathy 5; ARRHYTHMOGENIC RIGHT VENTRICULAR DYSPLASIA, FAMILIAL, 5. Identifiers: MedGen C1858379, MONDO:0011459, OMIM 604400.

Submission:

All of Us Research Program, National Institutes of Health
Classification: Uncertain significance for Arrhythmogenic right ventricular dysplasia 5. Last evaluated: 2024-04-16. Review status: criteria provided, single submitter. Criteria: ACMG Guidelines, 2015. Collection method: clinical testing. Allele origin: germline. Inheritance: Autosomal dominant inheritance. Observed: 1 variant allele, 1 heterozygote.
Comment: This missense variant replaces lysine with glutamic acid at codon 18 of the TMEM43 protein. Computational prediction suggests that this variant may not impact protein structure and function (internally defined REVEL score threshold <= 0.5, PMID: 27666373). To our knowledge, functional studies have not been reported for this variant. This variant has not been reported in individuals affected with TMEM43-related disorders in the literature. This variant has not been identified in the general population by the Genome Aggregation Database (gnomAD). The available evidence is insufficient to determine the role of this variant in disease conclusively. Therefore, this variant is classified as a Variant of Uncertain Significance.

This study involves interpretation of variants in research participants for the purpose of population health screening. Participant phenotype was not available at the time of variant classification. Additional details can be found in publication PMID: 35346344, PMCID: PMC8962531